The following is an entry in ClinVar:

NM_000152.5(GAA):c.454C>G (p.Leu152Val)

Gene: GAA (alpha glucosidase; plus strand). Cytogenetic location: 17q25.3.
Variant type: single nucleotide variant.
Coding change: c.454C>G on transcript NM_000152.5 (MANE Select); coding-DNA position 454, C replaced by G.
Protein change: p.Leu152Val; replaces leucine 152 with valine.
Molecular consequence: missense variant.
Genome position (GRCh38, 1-based): chr17:80,105,040, C>G. VCF-style: chr17-80105040-C-G. GRCh37 (hg19) VCF-style: chr17-78078839-C-G.
Other names: c.454C>G, p.Leu152Val (NM_001079803.3, NM_001079804.3); short protein forms L152V.
Identifiers: ClinVar variation 1314667 (VCV001314667.2), dbSNP rs2143828990, ClinGen allele CA401361478.

ClinVar aggregate classification (germline): Uncertain significance (1 of 4 stars; one submission).

Allele frequency attached by ClinVar (database versions not stated): gnomAD exomes below 0.00001.
gnomAD v4.1: 1 of 1,612,978 alleles (0.000062%); highest among the groups gnomAD compares: Non-Finnish European, 0.000085%; no homozygotes.

Submission:

GeneDx
Classification: Uncertain significance. Last evaluated: 2021-04-08. Review status: criteria provided, single submitter. Criteria: GeneDx Variant Classification Process June 2021. Collection method: clinical testing. Allele origin: germline. Affected: yes.
Comment: Not observed in large population cohorts (Lek et al., 2016); In silico analysis supports that this missense variant does not alter protein structure/function; Has not been previously published as pathogenic or benign to our knowledge